The following is an entry in ClinVar:

ClinVar aggregate classification (germline): Uncertain significance (1 of 4 stars; one submission).

Conditions:
Arrhythmogenic right ventricular dysplasia 11. Also called: Arrhythmogenic right ventricular dysplasia 11 with mild palmoplantar keratoderma and woolly hair; Arrhythmogenic Right Ventricular Dysplasia/Cardiomyopathy11; ARRHYTHMOGENIC RIGHT VENTRICULAR DYSPLASIA, FAMILIAL, 11. Identifiers: MedGen C1864850, MONDO:0012506, OMIM 610476.

Submission:

Labcorp Genetics (formerly Invitae), Labcorp
Classification: Uncertain significance for Arrhythmogenic right ventricular dysplasia 11. Last evaluated: 2019-07-26. Review status: criteria provided, single submitter. Criteria: Invitae Variant Classification Sherloc (09022015). Collection method: clinical testing. Allele origin: germline.
Comment: Algorithms developed to predict the effect of missense changes on protein structure and function (SIFT, PolyPhen-2, Align-GVGD) all suggest that this variant is likely to be disruptive, but these predictions have not been confirmed by published functional studies and their clinical significance is uncertain. In summary, the available evidence is currently insufficient to determine the role of this variant in disease. Therefore, it has been classified as a Variant of Uncertain Significance. This variant has not been reported in the literature in individuals with DSC2-related conditions. ClinVar contains an entry for this variant (Variation ID: 573084). This sequence change replaces isoleucine with threonine at codon 343 of the DSC2 protein (p.Ile343Thr). The isoleucine residue is highly conserved and there is a moderate physicochemical difference between isoleucine and threonine. This variant is not present in population databases (ExAC no frequency).

NM_024422.6(DSC2):c.1028T>C (p.Ile343Thr)

Gene: DSC2 (desmocollin 2; minus strand). Cytogenetic location: 18q12.1.
Variant type: single nucleotide variant.
Coding change: c.1028T>C on transcript NM_024422.6 (MANE Select); coding-DNA position 1028, T replaced by C.
Protein change: p.Ile343Thr; replaces isoleucine 343 with threonine.
Molecular consequence: missense variant.
Genome position (GRCh38, 1-based): chr18:31,082,975, A>G on the plus strand (T>C on the coding strand, the complement: DSC2 is on the minus strand). VCF-style: chr18-31082975-A-G. GRCh37 (hg19) VCF-style: chr18-28662941-A-G.
Other names: c.1028T>C, p.Ile343Thr (NM_004949.5); short protein forms I343T.
Identifiers: ClinVar variation 573084 (VCV000573084.11), dbSNP rs1567978329, ClinGen allele CA402110564.